The following is an entry in ClinVar:

ClinVar aggregate classification (germline): Pathogenic. Review status: criteria provided, multiple submitters, no conflicts (2 of 4 stars). 8 submissions from 8 submitters: Pathogenic (8). Last evaluated 2026-04-09.

Conditions:
EDA-related disorder. Also called: EDA-related condition; EDA-related disorders.
Hypohidrotic X-linked ectodermal dysplasia (XHED). Also called: ECTODERMAL DYSPLASIA, HYPOHIDROTIC, 1; CST SYNDROME; Ectodermal Dysplasia 1, Anhidrotic; Anhidrotic ectodermal dysplasia X-linked; Christ Siemens Touraine syndrome; ECTODERMAL DYSPLASIA 1, HYPOHIDROTIC, X-LINKED. Identifiers: Orphanet 181, Orphanet 238468, MedGen C0162359, MONDO:0010585, OMIM 305100.
Anhidrotic ectodermal dysplasia. Identifiers: MedGen C1706004, HP:0007476.
Ectodermal dysplasia. Also called: Ectodermal dysplasia syndrome. Identifiers: Orphanet 79373, MedGen C0013575, MONDO:0019287, HP:0000968.

Allele frequency attached by ClinVar (database versions not stated): gnomAD exomes below 0.00001.
gnomAD v4.1: 1 of 1,211,786 alleles (0.000083%); highest among the groups gnomAD compares: Non-Finnish European, 0.00011%; no homozygotes.

Submissions (8):

Genetics Laboratory, Great Ormond Street Hospital NHS Foundation Trust, North Thames Genomic Laboratory Hub
Classification: Pathogenic for Ectodermal dysplasia. Last evaluated: 2026-04-09. Review status: criteria provided, single submitter. Criteria: ACGS Best Practice Guidelines for Variant Classification in Rare Disease 2024 v1.2. Collection method: clinical testing. Allele origin: germline. Affected: yes.
Comment: PS4_moderate, PM2_moderate, PP3_supporting, PS3_supporting, PP1_strong

Labcorp Genetics (formerly Invitae), Labcorp
Classification: Pathogenic for Hypohidrotic X-linked ectodermal dysplasia. Last evaluated: 2025-03-01. Review status: criteria provided, single submitter. Criteria: Invitae Variant Classification Sherloc (09022015). Collection method: clinical testing. Allele origin: germline.
Comment: This sequence change replaces glycine, which is neutral and non-polar, with arginine, which is basic and polar, at codon 291 of the EDA protein (p.Gly291Arg). This variant is not present in population databases (gnomAD no frequency). This missense change has been observed in individual(s) with hypohidrotic/anhidrotic ectodermal dysplasia (PMID: 9736768, 20979233, 21357618, 22032522, 23553579). This variant is also known as c.1113G>A. ClinVar contains an entry for this variant (Variation ID: 44211). Invitae Evidence Modeling of protein sequence and biophysical properties (such as structural, functional, and spatial information, amino acid conservation, physicochemical variation, residue mobility, and thermodynamic stability) has been performed for this missense variant. However, the output from this modeling did not meet the statistical confidence thresholds required to predict the impact of this variant on EDA protein function. For these reasons, this variant has been classified as Pathogenic.

GeneDx
Classification: Pathogenic. Last evaluated: 2024-10-31. Review status: criteria provided, single submitter. Criteria: GeneDx Variant Classification Process June 2021. Collection method: clinical testing. Allele origin: germline. Affected: yes.
Comment: Identified in multiple patients with X-linked hypohidrotic ectodermal dysplasia referred for genetic testing at GeneDx and in published literature (PMID: 9736768, 11279189, 20979233); Not observed at significant frequency in large population cohorts (gnomAD); In silico analysis supports that this missense variant has a deleterious effect on protein structure/function; Missense variants in this gene are often considered pathogenic (HGMD); This variant is associated with the following publications: (PMID: 34573371, 22032522, 23553579, 18231121, 21357618, 24033266, 20979233, 19278982, 11279189, 36071541, 31129666, 34863015, 38287639, 39408781, 38129747, 9736768)

Women's Health and Genetics/Laboratory Corporation of America, LabCorp
Classification: Pathogenic for Anhidrotic ectodermal dysplasia. Last evaluated: 2023-10-18. Review status: criteria provided, single submitter. Criteria: LabCorp Variant Classification Summary - May 2015. Collection method: clinical testing. Allele origin: germline.
Comment: Variant summary: EDA c.871G>A (p.Gly291Arg) results in a non-conservative amino acid change located in a critical position within the Tumour necrosis factor domain (IPR006052) of the encoded protein sequence. Five of five in-silico tools predict a damaging effect of the variant on protein function. The variant was absent in 183325 control chromosomes. c.871G>A has been reported in the literature in multiple individuals affected with Hypohidrotic Ectodermal Dysplasia (example, Bayes_1998, Sekiguchi_2005, Zeng_2015, Kang_2022, Park_2019). These data indicate that the variant is very likely to be associated with disease. To our knowledge, no experimental evidence demonstrating an impact on protein function has been reported. The following publications have been ascertained in the context of this evaluation (PMID: 15663448, 9736768, 26411740, 36071541, 31129666, 11279189, 18231121). Three submitters have cited clinical-significance assessments for this variant to ClinVar after 2014. All submitters classified the variant as pathogenic. Based on the evidence outlined above, the variant was classified as pathogenic.

Medical Molecular Genetics Department, National Research Center
Classification: Pathogenic for Hypohidrotic X-linked ectodermal dysplasia. Last evaluated: 2021-02-13. Review status: criteria provided, single submitter. Criteria: ACMG Guidelines, 2015. Collection method: research. Allele origin: de novo. Affected: yes.

Blueprint Genetics
Classification: Pathogenic for EDA-related disorders. Last evaluated: 2020-05-26. Review status: criteria provided, single submitter. Criteria: ACMG Guidelines, 2015. Collection method: clinical testing. Allele origin: germline. Affected: yes. Observed: 2 variant alleles.

Laboratory for Molecular Medicine, Mass General Brigham Personalized Medicine
Classification: Pathogenic for Hypohidrotic X-linked ectodermal dysplasia. Last evaluated: 2011-09-17. Review status: criteria provided, single submitter. Criteria: LMM Criteria. Collection method: clinical testing. Allele origin: germline. Inheritance: X-linked inheritance. Observed: 4 variant alleles.
Comment: The Gly291Arg variant in EDA has been reported in at least 11 individuals with X -linked hypohidrotic ectodermal dysplasia. It was reported as de novo in two of these individuals and was absent from over 300 control chromosomes (Bayes 1998, Cluzeau 2011, Schneider 2001, Schneider 2011, Sekiguchi 2005, LMM unpublished d ata). In summary, this variant meets our criteria to be classified as pathogeni c.

Juno Genomics, Hangzhou Juno Genomics, Inc
Classification: Pathogenic for Hypohidrotic X-linked ectodermal dysplasia. Review status: criteria provided, single submitter. Criteria: ACMG Guidelines, 2015. Collection method: clinical testing. Allele origin: germline. Affected: yes.
Comment: Absent from controls (or at extremely low frequency if recessive) in Genome Aggregation Database.;Multiple lines of computational evidence support a deleterious effect on the gene or gene product.;The prevalence of the variant in affected individuals is significantly increased compared to the prevalence in controls.;Assumed de novo, but without confirmation of paternity and maternity.;Novel missense change at an amino acid residue where a different missense change determined to be pathogenic has been seen before.

Literature cited by the submitters: PubMed 9736768 (cited by 3 submitters); PubMed 20979233 (cited by Labcorp Genetics (formerly Invitae), Labcorp and Laboratory for Molecular Medicine, Mass General Brigham Personalized Medicine); PubMed 21357618 (cited by Labcorp Genetics (formerly Invitae), Labcorp and Laboratory for Molecular Medicine, Mass General Brigham Personalized Medicine); PubMed 22032522 (cited by Labcorp Genetics (formerly Invitae), Labcorp); PubMed 23553579 (cited by Labcorp Genetics (formerly Invitae), Labcorp); PubMed 11279189 (cited by Women's Health and Genetics/Laboratory Corporation of America, LabCorp and Laboratory for Molecular Medicine, Mass General Brigham Personalized Medicine); PubMed 36071541 (cited by Women's Health and Genetics/Laboratory Corporation of America, LabCorp); PubMed 18231121 (cited by Women's Health and Genetics/Laboratory Corporation of America, LabCorp); PubMed 31129666 (cited by Women's Health and Genetics/Laboratory Corporation of America, LabCorp); PubMed 15663448 (cited by Women's Health and Genetics/Laboratory Corporation of America, LabCorp and Laboratory for Molecular Medicine, Mass General Brigham Personalized Medicine); PubMed 26411740 (cited by Women's Health and Genetics/Laboratory Corporation of America, LabCorp).

NM_001399.5(EDA):c.871G>A (p.Gly291Arg)

Gene: EDA (ectodysplasin A; plus strand). Cytogenetic location: Xq13.1.
Variant type: single nucleotide variant.
Coding change: c.871G>A on transcript NM_001399.5 (MANE Select); coding-DNA position 871, G replaced by A.
Protein change: p.Gly291Arg; replaces glycine 291 with arginine.
Molecular consequence: missense variant.
Genome position (GRCh38, 1-based): chrX:70,033,475, G>A. VCF-style: chrX-70033475-G-A. GRCh37 (hg19) VCF-style: chrX-69253325-G-A.
Other names: c.871G>A, p.Gly291Arg (NM_001005609.2); c.862G>A, p.Gly288Arg (NM_001005612.3); short protein forms G291R, G288R.
Identifiers: ClinVar variation 44211 (VCV000044211.21), dbSNP rs397516677, ClinGen allele CA261508.